The following is an entry in ClinVar:

NM_000268.4(NF2):c.1000-2A>T

Gene: NF2 (NF2, moesin-ezrin-radixin like (MERLIN) tumor suppressor; plus strand). Cytogenetic location: 22q12.2.
Variant type: single nucleotide variant.
Coding change: c.1000-2A>T on transcript NM_000268.4 (MANE Select); the canonical splice acceptor site of the intron before coding-DNA position 1000, A replaced by T.
Molecular consequence: splice acceptor variant. On other transcripts: intron variant (1).
Genome position (GRCh38, 1-based): chr22:29,671,824, A>T. VCF-style: chr22-29671824-A-T. GRCh37 (hg19) VCF-style: chr22-30067813-A-T.
Other names: c.1000-2A>T (NM_016418.5, NM_181832.3, NM_001407060.1 and 2 more transcripts); c.886-2A>T (NM_001407056.1, NM_001407053.1); c.769-2A>T (NM_001407067.1); c.466-2A>T (NM_001407065.1); c.865-2A>T (NM_001407059.1, NM_001407057.1); c.448-22928A>T (NM_181833.3); c.877-2A>T (NM_001407058.1, NM_181829.3, NM_001407054.1); c.742-2A>T (NM_001407062.1); and 2 more.
Identifiers: ClinVar variation 2453826 (VCV002453826.3), dbSNP rs2147070763, ClinGen allele CA411146617.
Genomic context (GRCh38, chr22:29,671,824, plus strand): 5'-CTTGTGGCACCCTAGGTCTCGAGCCCTGTGATTCAATGACTGTTTTTCTTCACCCCTCGC[A>T]GATGGAGCGGCAGCGCCTCGCTCGAGAGAAGCAGATGAGGGAGGAGGCTGAACGCACGAG-3'

ClinVar aggregate classification (germline): Uncertain significance. Review status: criteria provided, multiple submitters, no conflicts (2 of 4 stars). 2 submissions from 2 submitters: Uncertain significance (2). Last evaluated 2023-06-26.

Conditions:
Neurofibromatosis, type 2 (SWNV). Also called: BILATERAL ACOUSTIC NEUROFIBROMATOSIS; SCHWANNOMATOSIS, VESTIBULAR; NF2-Related Schwannomatosis. Identifiers: Orphanet 637, MedGen C0027832, MONDO:0007039, OMIM 101000. Disease mechanism: loss of function.
Hereditary cancer-predisposing syndrome. Also called: Hereditary neoplastic syndrome; Hereditary Cancer Syndrome; Tumor predisposition; Neoplastic Syndromes, Hereditary. Identifiers: Orphanet 140162, MedGen C0027672, MeSH D009386, MONDO:0015356.

Submissions (2):

All of Us Research Program, National Institutes of Health
Classification: Uncertain significance for Neurofibromatosis, type 2. Last evaluated: 2023-06-26. Review status: criteria provided, single submitter. Criteria: ACMG Guidelines, 2015. Collection method: clinical testing. Allele origin: germline. Inheritance: Autosomal dominant inheritance. Observed: 1 variant allele, 1 heterozygote.
Comment: This variant causes an A to T nucleotide substitution at the -2 position of intron 10 of the NF2 gene. Splice site prediction tools indicate that this variant may disrupt the native intron 10 splice acceptor site and activate a cryptic splice site within exon 11, resulting in the in-frame skipping of a couple of amino acids in the NF2 protein (PMID: 35449021). While this intronic variant is expected to disrupt the normal splicing of intron 10, the aberrant protein change may not significantly impact NF2 function. To our knowledge, this splicing pattern has not been tested in RNA studies nor has this variant been examined in functional studies. This variant has not been reported in individuals affected with NF2-related disorders in the literature. This variant has not been identified in the general population by the Genome Aggregation Database (gnomAD). The available evidence is insufficient to determine the role of this variant in disease conclusively. Therefore, this variant is classified as a Variant of Uncertain Significance.

This study involves interpretation of variants in research participants for the purpose of population health screening. Participant phenotype was not available at the time of variant classification. Additional details can be found in publication PMID: 35346344, PMCID: PMC8962531

Ambry Genetics
Classification: Uncertain significance for Hereditary cancer-predisposing syndrome. Last evaluated: 2023-01-06. Review status: criteria provided, single submitter. Criteria: Ambry Variant Classification Scheme 2023. Collection method: clinical testing. Allele origin: germline.
Comment: The c.1000-2A>T intronic variant results from an A to T substitution two nucleotides upstream from coding exon 11 in the NF2 gene. Alterations that disrupt the canonical splice site are expected to result in aberrant splicing. In silico splice site analysis predicts that this alteration will weaken the native splice acceptor site and may result in the creation or strengthening of a novel splice acceptor site. The resulting transcript is predicted to be in-frame and is not expected to trigger nonsense-mediated mRNA decay; however, direct evidence is unavailable. The exact functional effect of the altered amino acid sequence is unknown. This nucleotide position is highly conserved in available vertebrate species. Since supporting evidence is limited at this time, the clinical significance of this alteration remains unclear.

Literature cited by the submitters: PubMed 35449021 (cited by All of Us Research Program, National Institutes of Health).